The following is an entry in ClinVar:

NM_001271.4(CHD2):c.1961A>G (p.Lys654Arg)

Gene: CHD2 (chromodomain helicase DNA binding protein 2; plus strand). Cytogenetic location: 15q26.1.
Variant type: single nucleotide variant.
Coding change: c.1961A>G on transcript NM_001271.4 (MANE Select); coding-DNA position 1961, A replaced by G.
Protein change: p.Lys654Arg; replaces lysine 654 with arginine.
Molecular consequence: missense variant.
Genome position (GRCh38, 1-based): chr15:92,956,610, A>G. VCF-style: chr15-92956610-A-G. GRCh37 (hg19) VCF-style: chr15-93499840-A-G.
Other names: c.1961A>G (NM_001271.3); short protein forms K654R.
Identifiers: ClinVar variation 2015914 (VCV002015914.6), dbSNP rs1363153869, ClinGen allele CA393906576.

ClinVar aggregate classification (germline): Uncertain significance. Review status: criteria provided, multiple submitters, no conflicts (2 of 4 stars). 3 submissions from 3 submitters: Uncertain significance (3). Last evaluated 2024-01-03.

Conditions:
Developmental and epileptic encephalopathy 94 (DEE94). Also called: Epileptic encephalopathy, childhood-onset; CHD2-Related Neurodevelopmental Disorders. Identifiers: Orphanet 1942, Orphanet 2382, MedGen C3809278, MONDO:0014150, OMIM 615369.

Allele frequency attached by ClinVar (database versions not stated): TOPMed below 0.00001.

Submissions (3):

GeneDx
Classification: Uncertain significance. Last evaluated: 2024-01-03. Review status: criteria provided, single submitter. Criteria: GeneDx Variant Classification Process June 2021. Collection method: clinical testing. Allele origin: germline. Affected: yes.
Comment: Not observed at significant frequency in large population cohorts (gnomAD); In silico analysis supports that this missense variant has a deleterious effect on protein structure/function; Has not been previously published as pathogenic or benign to our knowledge

Neuberg Centre For Genomic Medicine, NCGM
Classification: Uncertain significance for Developmental and epileptic encephalopathy 94. Last evaluated: 2023-06-22. Review status: criteria provided, single submitter. Criteria: ACMG Guidelines, 2015. Collection method: clinical testing. Allele origin: germline. Inheritance: Autosomal dominant inheritance. Affected: yes.
Comment: The missense c.1961A>G (p.Lys654Arg) variant in gene has not been reported previously as a pathogenic variant nor as a benign variant, to our knowledge. The p.Lys654Arg variant is absent in gnomAD Exomes. This variant has been submitted to the ClinVar database as Uncertain Significance. Multiple lines of computational evidence (Polyphen - Possibly damaging, SIFT – Damaging and Mutation Taster - Disease causing) predict a damaging effect on protein structure and function for this variant. The reference amino acid at this position on CHD2 gene is predicted as conserved by GERP++ and PhyloP across 100 vertebrates. The amino acid Lys at position 654 is changed to a Arg changing protein sequence and it might alter its composition and physico-chemical properties. For these reasons, this variant has been classified as Variant of Uncertain Significance (VUS).

Labcorp Genetics (formerly Invitae), Labcorp
Classification: Uncertain significance for Developmental and epileptic encephalopathy 94. Last evaluated: 2022-07-11. Review status: criteria provided, single submitter. Criteria: Invitae Variant Classification Sherloc (09022015). Collection method: clinical testing. Allele origin: germline.
Comment: This variant has not been reported in the literature in individuals affected with CHD2-related conditions. This sequence change replaces lysine, which is basic and polar, with arginine, which is basic and polar, at codon 654 of the CHD2 protein (p.Lys654Arg). This variant is not present in population databases (gnomAD no frequency). Advanced modeling of protein sequence and biophysical properties (such as structural, functional, and spatial information, amino acid conservation, physicochemical variation, residue mobility, and thermodynamic stability) performed at Invitae indicates that this missense variant is not expected to disrupt CHD2 protein function. In summary, the available evidence is currently insufficient to determine the role of this variant in disease. Therefore, it has been classified as a Variant of Uncertain Significance.